The following is an entry in ClinVar:

NM_019066.5(MAGEL2):c.591A>C (p.Thr197=)

Gene: MAGEL2 (MAGE family member L2; minus strand). Cytogenetic location: 15q11.2.
Variant type: single nucleotide variant.
Coding change: c.591A>C on transcript NM_019066.5 (MANE Select); coding-DNA position 591, A replaced by C.
Protein change: p.Thr197=; no amino-acid change (threonine 197 retained).
Molecular consequence: synonymous variant.
Genome position (GRCh38, 1-based): chr15:23,647,152, T>G on the plus strand (A>C on the coding strand, the complement: MAGEL2 is on the minus strand). VCF-style: chr15-23647152-T-G. GRCh37 (hg19) VCF-style: chr15-23892299-T-G.
Identifiers: ClinVar variation 2420330 (VCV002420330.29), dbSNP rs1368343097, ClinGen allele CA617084233.

ClinVar aggregate classification (germline): Likely benign. Review status: criteria provided, multiple submitters, no conflicts (2 of 4 stars). 2 submissions from 2 submitters: Likely benign (2). Last evaluated 2025-08-12.

Submissions (2):

Labcorp Genetics (formerly Invitae), Labcorp
Classification: Likely benign. Last evaluated: 2025-08-12. Review status: criteria provided, single submitter. Criteria: Invitae Variant Classification Sherloc (09022015). Collection method: clinical testing. Allele origin: germline.

CeGaT Center for Human Genetics Tuebingen
Classification: Likely benign. Last evaluated: 2025-05-01. Review status: criteria provided, single submitter. Criteria: CeGaT Center For Human Genetics Tuebingen Variant Classification Criteria Version 2. Collection method: clinical testing. Allele origin: germline. Affected: yes. Observed: 2 variant alleles.
Comment: MAGEL2: BP4, BP7